The following is an entry in ClinVar:

ClinVar aggregate classification (germline): Uncertain significance (1 of 4 stars; one submission).

Conditions:
Hereditary cancer-predisposing syndrome. Also called: Hereditary Cancer Syndrome; Hereditary neoplastic syndrome; Neoplastic Syndromes, Hereditary; Tumor predisposition. Identifiers: Orphanet 140162, MedGen C0027672, MeSH D009386, MONDO:0015356.

Submission:

Sema4
Classification: Uncertain significance for Hereditary cancer-predisposing syndrome. Last evaluated: 2021-09-30. Review status: criteria provided, single submitter. Criteria: Sema4 Curation Guidelines. Collection method: curation. Allele origin: germline.
Comment: The NF1 c.889-458T>C variant has not been reported in the literature to our knowledge. This variant was not observed in the large and broad cohorts of the Genome Aggregation Database (PMID: 32461654). The variant has not been reported in ClinVar. Functional studies have not been performed, and in silico predictions of the variant's effect are not available. The evidence is insufficient to meet ACMG/AMP criteria for classifying the variant as benign or pathogenic. Thus, the clinical significance of this variant is currently uncertain.

NM_001042492.3(NF1):c.889-458T>C

Gene: NF1 (neurofibromin 1; plus strand). Cytogenetic location: 17q11.2.
Variant type: single nucleotide variant.
Coding change: c.889-458T>C on transcript NM_001042492.3 (MANE Select); 458 bases into the intron before coding-DNA position 889, T replaced by C.
Molecular consequence: intron variant.
Genome position (GRCh38, 1-based): chr17:31,199,964, T>C. VCF-style: chr17-31199964-T-C. GRCh37 (hg19) VCF-style: chr17-29526982-T-C.
Other names: c.889-458T>C (NM_000267.4, NM_001128147.3).
Identifiers: ClinVar variation 1692359 (VCV001692359.1), dbSNP rs2143869041, ClinGen allele CA2573153750.
Genomic context (GRCh38, chr17:31,199,964, plus strand): 5'-GGCAGAAGGATCACTTGAGCCCAGGGGTTCAAGACCAGCTTGGCCAACATGGTGAAATCC[T>C]GTCTCTACTAAAAATACAAAAATTAGCCAGGCATGGTGGCAGGCGCCTGTAAACCCAGCT-3'